The following is an entry in ClinVar:

ClinVar aggregate classification (germline): Benign. Review status: criteria provided, multiple submitters, no conflicts (2 of 4 stars). 2 submissions from 2 submitters: Benign (2). Last evaluated 2018-06-19.

Allele frequency attached by ClinVar (database versions not stated): gnomAD exomes 0.10796; 1000 Genomes Project 30x 0.05762; 1000 Genomes Project 0.05891; TOPMed 0.08278; gnomAD 0.08439 and 0.08493.
gnomAD v4.1: 69,368 of 674,440 alleles (10%); highest among the groups gnomAD compares: Middle Eastern, 12%; 4,224 homozygotes.

Submissions (2):

GeneDx
Classification: Benign. Last evaluated: 2018-06-19. Review status: criteria provided, single submitter. Criteria: GeneDx Variant Classification (06012015). Collection method: clinical testing. Allele origin: germline. Affected: yes.
Comment: This variant is considered likely benign or benign based on one or more of the following criteria: it is a conservative change, it occurs at a poorly conserved position in the protein, it is predicted to be benign by multiple in silico algorithms, and/or has population frequency not consistent with disease.

Breakthrough Genomics
Classification: Benign. Review status: criteria provided, single submitter. Criteria: ACMG Guidelines, 2015. Collection method: not provided. Allele origin: germline. Inheritance: Autosomal recessive inheritance. Affected: yes.

NM_001382391.1(CSPP1):c.484-87G>A

Gene: CSPP1 (centrosome and spindle pole associated protein 1; plus strand). Cytogenetic location: 8q13.1.
Variant type: single nucleotide variant.
Coding change: c.484-87G>A on transcript NM_001382391.1 (MANE Select); 87 bases into the intron before coding-DNA position 484, G replaced by A.
Molecular consequence: intron variant.
Genome position (GRCh38, 1-based): chr8:67,095,206, G>A. VCF-style: chr8-67095206-G-A. GRCh37 (hg19) VCF-style: chr8-68007441-G-A.
Other names: c.484-87G>A (NM_001363132.2); c.403-87G>A (NM_001363131.2, NM_001363133.2); c.592-87G>A (NM_001364869.1); c.511-87G>A (NM_024790.7, NM_001438331.1, NM_001438330.1 and 2 more transcripts); c.-372-87G>A (NM_001291339.2).
Identifiers: ClinVar variation 674986 (VCV000674986.2), dbSNP rs72654941, ClinGen allele CA16337635.